The following is an entry in ClinVar:

NM_024642.5(GALNT12):c.20G>A (p.Arg7Gln)

Gene: GALNT12 (polypeptide N-acetylgalactosaminyltransferase 12; plus strand). Cytogenetic location: 9q22.33.
Variant type: single nucleotide variant.
Coding change: c.20G>A on transcript NM_024642.5 (MANE Select); coding-DNA position 20, G replaced by A.
Protein change: p.Arg7Gln; replaces arginine 7 with glutamine.
Molecular consequence: missense variant.
Genome position (GRCh38, 1-based): chr9:98,807,718, G>A. VCF-style: chr9-98807718-G-A. GRCh37 (hg19) VCF-style: chr9-101570000-G-A.
Other names: short protein forms R7Q.
Identifiers: ClinVar variation 3227938 (VCV003227938.1), dbSNP rs568625965, ClinGen allele CA374222029.

ClinVar aggregate classification (germline): Uncertain significance (1 of 4 stars; one submission).

Submission:

Ambry Genetics
Classification: Uncertain significance. Last evaluated: 2024-01-06. Review status: criteria provided, single submitter. Criteria: Ambry Variant Classification Scheme 2023. Collection method: clinical testing. Allele origin: germline.
Comment: The p.R7Q variant (also known as c.20G>A), located in coding exon 1 of the GALNT12 gene, results from a G to A substitution at nucleotide position 20. The arginine at codon 7 is replaced by glutamine, an amino acid with highly similar properties. This amino acid position is conserved. In addition, this alteration is predicted to be tolerated by in silico analysis. Since supporting evidence is limited at this time, the clinical significance of this alteration remains unclear.